The following is an entry in ClinVar:

ClinVar aggregate classification (germline): Uncertain significance (1 of 4 stars; one submission).

Allele frequency attached by ClinVar (database versions not stated): gnomAD exomes below 0.00001; gnomAD 0.00001.
gnomAD v4.1: 6 of 1,607,376 alleles (0.00037%); highest among the groups gnomAD compares: Non-Finnish European, 0.00043%; no homozygotes.

Submission:

Labcorp Genetics (formerly Invitae), Labcorp
Classification: Uncertain significance. Last evaluated: 2022-01-06. Review status: criteria provided, single submitter. Criteria: Invitae Variant Classification Sherloc (09022015). Collection method: clinical testing. Allele origin: germline.
Comment: This sequence change replaces glutamic acid, which is acidic and polar, with lysine, which is basic and polar, at codon 2554 of the CDH23 protein (p.Glu2554Lys). This variant also falls at the last nucleotide of exon 54, which is part of the consensus splice site for this exon. This variant is present in population databases (no rsID available, gnomAD 0.004%). This variant has not been reported in the literature in individuals affected with CDH23-related conditions. ClinVar contains an entry for this variant (Variation ID: 968597). Algorithms developed to predict the effect of missense changes on protein structure and function are either unavailable or do not agree on the potential impact of this missense change (SIFT: "Deleterious"; PolyPhen-2: "Not Available"; Align-GVGD: "Class C0"). Variants that disrupt the consensus splice site are a relatively common cause of aberrant splicing (PMID: 17576681, 9536098). Algorithms developed to predict the effect of sequence changes on RNA splicing suggest that this variant may disrupt the consensus splice site. In summary, the available evidence is currently insufficient to determine the role of this variant in disease. Therefore, it has been classified as a Variant of Uncertain Significance.

Literature cited by the submitters: PubMed 17576681; PubMed 9536098.

NM_022124.6(CDH23):c.7660G>A (p.Glu2554Lys)

Gene: CDH23 (cadherin related 23; plus strand). Cytogenetic location: 10q22.1.
Variant type: single nucleotide variant.
Coding change: c.7660G>A on transcript NM_022124.6 (MANE Select); coding-DNA position 7660, G replaced by A.
Protein change: p.Glu2554Lys; replaces glutamic acid 2554 with lysine.
Molecular consequence: missense variant.
Genome position (GRCh38, 1-based): chr10:71,803,075, G>A. VCF-style: chr10-71803075-G-A. GRCh37 (hg19) VCF-style: chr10-73562832-G-A.
Other names: c.940G>A, p.Glu314Lys (NM_001171933.1, NM_001171934.1); short protein forms E2554K, E314K.
Identifiers: ClinVar variation 968597 (VCV000968597.7), dbSNP rs1348274222, ClinGen allele CA377161001.